The following is an entry in ClinVar:

NM_007194.4(CHEK2):c.1556G>T (p.Arg519Leu)

Gene: CHEK2 (checkpoint kinase 2; minus strand). Cytogenetic location: 22q12.1.
Variant type: single nucleotide variant.
Coding change: c.1556G>T on transcript NM_007194.4 (MANE Select); coding-DNA position 1556, G replaced by T.
Protein change: p.Arg519Leu; replaces arginine 519 with leucine.
Molecular consequence: missense variant.
Genome position (GRCh38, 1-based): chr22:28,687,973, C>A on the plus strand (G>T on the coding strand, the complement: CHEK2 is on the minus strand). VCF-style: chr22-28687973-C-A. GRCh37 (hg19) VCF-style: chr22-29083961-C-A.
Other names: p.R519L:CGA>CTA; c.1685G>T, p.Arg562Leu (NM_001005735.3); c.893G>T, p.Arg298Leu (NM_001257387.3); c.1355G>T, p.Arg452Leu (NM_001349956.3); c.1469G>T, p.Arg490Leu (NM_145862.3); short protein forms R519L, R562L, R452L, R490L, R298L.
Identifiers: ClinVar variation 128066 (VCV000128066.97), dbSNP rs587780180, ClinGen allele CA288294.

ClinVar aggregate classification (germline): Conflicting classifications of pathogenicity. Review status: criteria provided, conflicting classifications (1 of 4 stars). 33 submissions from 32 submitters: Uncertain significance (21); Likely benign (6). 6 of the submissions do not count toward it. Last evaluated 2026-06-09.

Conditions:
CHEK2-related disorder.
Hereditary cancer. Identifiers: MedGen C1333600.
CHEK2-related cancer predisposition (TPDS4). Also called: TUMOR PREDISPOSITION SYNDROME 4; CANCER PREDISPOSITION SYNDROME, CHEK2-RELATED; CHEK2-related cancer susceptibility. Identifiers: Orphanet 524, MedGen C5882668, MONDO:0700271, OMIM 609265.
Bone osteosarcoma. Also called: Osteosarcoma, somatic. Identifiers: Orphanet 668, MedGen C0585442, MONDO:0002629, OMIM 259500.
Familial prostate cancer. Also called: Hereditary Prostate Cancer. Identifiers: MedGen C2931456, MONDO:0700275, OMIM 176807.
Predisposition to cancer.
Hereditary cancer-predisposing syndrome. Also called: Neoplastic Syndromes, Hereditary; Hereditary neoplastic syndrome; Hereditary Cancer Syndrome; Tumor predisposition. Identifiers: Orphanet 140162, MedGen C0027672, MeSH D009386, MONDO:0015356.
Breast and/or ovarian cancer. Identifiers: MedGen CN221562.
Familial cancer of breast. Also called: BREAST CANCER, FAMILIAL; hereditary breast carcinoma; Hereditary breast cancer. Identifiers: Orphanet 227535, MedGen C0346153, MONDO:0016419, OMIM 114480. Disease mechanism: loss of function.
Prostate cancer. Also called: Malignant tumor of prostate. Identifiers: Orphanet 1331, MedGen C0376358, MONDO:0008315, HP:0012125.
Hereditary breast ovarian cancer syndrome. Also called: Breast and ovarian cancer; Hereditary breast and/or ovarian cancer syndrome; Hereditary breast and ovarian cancer syndrome; Hereditary breast and ovarian cancer syndrome (HBOC); Hereditary breast and ovarian cancer; BRCA1- and BRCA2-Associated Hereditary Breast and Ovarian Cancer. Identifiers: Orphanet 145, MedGen C0677776, MeSH D061325, MONDO:0003582. Disease mechanism: loss of function.
Malignant tumor of breast. Also called: Cancer breast; Malignant breast neoplasm. Identifiers: MedGen C0006142, MONDO:0007254. Disease mechanism: loss of function.

Allele frequency attached by ClinVar (database versions not stated): gnomAD 0.00006; TOPMed 0.00014.

Submissions 1 to 8 of 33:

GeneDx
Classification: Uncertain significance. Last evaluated: 2026-06-09. Review status: criteria provided, single submitter. Criteria: GeneDx Variant Classification Process June 2021. Collection method: clinical testing. Allele origin: germline.
Comment: Observed in individuals with colon, breast, ovarian, and other cancers, as well as in control groups (PMID: 29470806, 31780696, 30303537, 31206626, 32658311, 32283892, 33471991, 34326862, 35402282, 35264596, 35441217, 35534704, 35980532, 36479692, 37306523, 37842866); Published functional studies are inconclusive: intermediate growth rate in response to DNA damage (PMID: 30851065); In silico analysis supports that this missense variant has a deleterious effect on protein structure/function; Also known as c.1685G>T; p.R562L (NM_001005735.1); This variant is associated with the following publications: (PMID: 31422574, 24879340, 21244692, 26787654, 28102005, 28166811, 29470806, 31159747, 30303537, 31780696, 32283892, 32906215, 32659967, 35264596, 35441217, 32658311, 31206626, 35402282, 35127508, 29522266, 28779002, 39594831, 35980532, 35534704, 37842866, 37306523, 34326862, 30851065, 37449874, 38378842, 33471991, 36479692, 36717774, 22419737, 39642869, 39146382, 40710012)

CeGaT Center for Human Genetics Tuebingen
Classification: Likely benign. Last evaluated: 2026-06-01. Review status: criteria provided, single submitter. Criteria: CeGaT Center For Human Genetics Tuebingen Variant Classification Criteria Version 2. Collection method: clinical testing. Allele origin: germline. Affected: yes. Observed: 3 variant alleles.
Comment: CHEK2: PS4:Moderate, BP4, BS1:Supporting, BS3:Supporting

PreventionGenetics, part of Exact Sciences
Classification: Uncertain significance for CHEK2-related condition. Last evaluated: 2026-05-30. Review status: criteria provided, single submitter. Criteria: ACMG Guidelines, 2015. Collection method: clinical testing. Allele origin: germline.
Comment: The CHEK2 c.1556G>T variant is predicted to result in the amino acid substitution p.Arg519Leu. This variant has been identified in individuals with breast and/or ovarian cancer (Table S1, Young et al. 2016. PubMed ID: 26787654; Table S5, Decker et al. 2017. PubMed ID: 28779002; Table S1, Hauke et al. 2018. PubMed ID: 29522266; Table S4, Singh et al. 2018. PubMed ID: 29470806; Table S6, Akcay et al. 2020. PubMed ID: 32658311), individuals with a personal and/or family history of hereditary cancer (Table S6, Tsaousis et al. 2019. PubMed ID: 31159747; Table 2, Dutil et al. 2019. PubMed ID: 31780696; Table S1, Vargas-Parra et al. 2020. PubMed ID: 32906215), an individual with colorectal cancer (Table 2, Erdem et al. 2020. PubMed ID: 32283892), as well as in a control individual (Table S1, Le Calvez-Kelm et al. 2011. PubMed ID: 21244692). The results of in vitro and in vivo experimental studies of this variant are inconclusive (Table 1, Delimitsou et al. 2019. PubMed ID: 30851065; Dutil et al. 2019. PubMed ID: 31780696). This variant is reported in 0.046% of alleles in individuals of Latino descent in gnomAD and is interpreted as uncertain by the vast majority of clinical laboratories in ClinVar (Variation ID: 128066). At this time, the clinical significance of this variant is uncertain due to the absence of conclusive functional and genetic evidence.

Women's Health and Genetics/Laboratory Corporation of America, LabCorp
Classification: Uncertain significance. Last evaluated: 2025-12-15. Review status: criteria provided, single submitter. Criteria: LabCorp Variant Classification Summary - May 2015. Collection method: clinical testing. Allele origin: germline.
Comment: Variant summary: CHEK2 c.1556G>T (p.Arg519Leu) results in a non-conservative amino acid change in the encoded protein sequence. Algorithms developed to predict the effect of missense changes on protein structure and function are either unavailable or do not agree on the potential impact of this missense change. The variant allele was found at a frequency of 0.00023 in 235260 control chromosomes. This frequency is not significantly higher than estimated for a pathogenic variant in CHEK2 causing Breast Cancer (0.00023 vs 0.00031), allowing no conclusion about variant significance. c.1556G>T has been reported in the literature as a VUS in settings of multigene panel testing in individuals affected with Breast cancer, Lynch associated tumors/colorectal cancer, pancreatic cancer, or prostate cancer (example, Singh_2018, Young_2016, Weitzel_2019, deCarvalho_2020, Vargas-Parra_2020, Ackay_2021, Pereira_2022, Cine_2023, AlHarbi_2023, de Oliveira_2022, Abdel-Razeq_2022, Tavano_2023, Siegelmann-Danieli_2024, Pearlman_2021). These report(s) do not provide unequivocal conclusions about association of the variant with Breast Cancer. At least one publication reports experimental evidence evaluating an impact on protein function (Delimitsou_2019). The most pronounced variant effect results in intermediate levels of normal activity evaluating MMS (methyl-methanesulfonate) induced DNA damage repair in a yeast based functional assay. The following publications have been ascertained in the context of this evaluation (PMID: 35402282, 32658311, 37306523, 36479692, 30851065, 38378842, 21244692, 34250417, 35980532, 37842866, 29470806, 36717774, 32906215, 31206626, 26787654, 35534704, 32659967, 40710012). ClinVar contains an entry for this variant (Variation ID: 128066). Based on the evidence outlined above, the variant was classified as uncertain significance.

Dasa
Classification: Likely benign. Last evaluated: 2025-11-18. Review status: criteria provided, single submitter. Criteria: DASA Assertion Criteria. Collection method: clinical testing. Allele origin: germline.
Comment: NM_007194.4(CHEK2):c.1556G>T (p.Arg519Leu) is a missense variant that results in the substitution of arginine with leucine. Multiple computational predictions suggest no deleterious effect on the gene or gene product. The variant is present at low frequency in population datasets. Based on the available data, this variant is classified as likely benign.

German Consortium for Hereditary Breast and Ovarian Cancer, University Hospital Cologne
Classification: Uncertain significance for Hereditary breast ovarian cancer syndrome. Last evaluated: 2025-09-09. Review status: criteria provided, single submitter. Criteria: ACMG Guidelines, 2015. Collection method: curation. Allele origin: germline.
Comment: Stolarova: KAP1: WT; CHK2: functionally-impaired (KAP1<0.41; CHK2<0.48) (0,432); Delimitsou: intermediate; This classification follows the ACMG SVI adaptation classification scheme; We chose these criteria: BP4 (supporting benign): REVEL:(0.065), BS1 (strong benign): FAF v4 0.001055 (ClinGen ATM: Grpmax Filtering AF >.05% in gnomAD v4 dataset)

Quest Diagnostics Nichols Institute San Juan Capistrano
Classification: Uncertain significance. Last evaluated: 2025-07-14. Review status: criteria provided, single submitter. Criteria: Quest Diagnostics criteria. Collection method: clinical testing. Allele origin: unknown.
Comment: The CHEK2 c.1556G>T (p.Arg519Leu) variant has been reported in the published literature in individuals with breast and/or ovarian cancer (PMIDs: 35402282 (2022), 32658311 (2021), 32906215 (2020), 31159747 (2019), 30303537 (2019), 29470806 (2018), 33471991 (2021) see also LOVD), prostate cancer (PMID: 37842866 (2024)), renal cell carcinoma (PMID: 35441217 (2022)), as well as at least one reportedly healthy individual (PMIDs: 21244692 (2011) and 33471991 (2021) see also LOVD). Additionally, functional studies showed inconclusive results regarding the variant's impact on protein function (PMIDs: 30851065 (2019), 31780696 (2019)). The frequency of this variant in the general population (Genome Aggregation Database) is uninformative in the assessment of its pathogenicity. Analysis of this variant using bioinformatics tools for the prediction of the effect of amino acid changes on protein structure and function yielded predictions that this variant is benign. Based on the available information, we are unable to determine the clinical significance of this variant.

Mayo Clinic Laboratories, Mayo Clinic
Classification: Uncertain significance. Last evaluated: 2025-06-30. Review status: criteria provided, single submitter. Criteria: ACMG Guidelines, 2015. Collection method: clinical testing. Allele origin: germline. Observed: 2 variant alleles.
Comment: BP4_moderate